The following is an entry in ClinVar:

ClinVar aggregate classification (germline): Uncertain significance (1 of 4 stars; one submission).

Conditions:
Zellweger spectrum disorders (ZS). Also called: Zellweger Spectrum Disorder (ZSD); Zellweger syndrome; Zellweger Spectrum Disorder; Zellweger Spectrum. Identifiers: Orphanet 912, MedGen C0043459, MONDO:0019609.

Allele frequency attached by ClinVar (database versions not stated): TOPMed below 0.00001; gnomAD 0.00001.
gnomAD v4.1: 2 of 1,325,050 alleles (0.00015%); highest among the groups gnomAD compares: African/African-American, 0.0029%; no homozygotes.

Submission:

Labcorp Genetics (formerly Invitae), Labcorp
Classification: Uncertain significance for Zellweger spectrum disorders. Last evaluated: 2022-05-27. Review status: criteria provided, single submitter. Criteria: Invitae Variant Classification Sherloc (09022015). Collection method: clinical testing. Allele origin: germline.
Comment: This sequence change falls in intron 7 of the PEX1 gene. It does not directly change the encoded amino acid sequence of the PEX1 protein. This variant is not present in population databases (gnomAD no frequency). This variant has not been reported in the literature in individuals affected with PEX1-related conditions. Algorithms developed to predict the effect of sequence changes on RNA splicing suggest that this variant may disrupt the consensus splice site. In summary, the available evidence is currently insufficient to determine the role of this variant in disease. Therefore, it has been classified as a Variant of Uncertain Significance.

NM_000466.3(PEX1):c.1484-4A>G

Gene: PEX1 (peroxisomal biogenesis factor 1; minus strand). Cytogenetic location: 7q21.2.
Variant type: single nucleotide variant.
Coding change: c.1484-4A>G on transcript NM_000466.3 (MANE Select); 4 bases into the intron before coding-DNA position 1484, A replaced by G.
Molecular consequence: intron variant.
Genome position (GRCh38, 1-based): chr7:92,511,051, T>C on the plus strand (A>G on the coding strand, the complement: PEX1 is on the minus strand). VCF-style: chr7-92511051-T-C. GRCh37 (hg19) VCF-style: chr7-92140365-T-C.
Other names: c.1484-4A>G (NM_001282677.2); c.860-4A>G (NM_001282678.2).
Identifiers: ClinVar variation 2163533 (VCV002163533.1), dbSNP rs1362737916, ClinGen allele CA843852706.